The following is an entry in ClinVar:

NM_001162501.2(TNRC6B):c.2041G>A (p.Gly681Arg)

Gene: TNRC6B (trinucleotide repeat containing adaptor 6B; plus strand). Cytogenetic location: 22q13.1.
Variant type: single nucleotide variant.
Coding change: c.2041G>A on transcript NM_001162501.2 (MANE Select); coding-DNA position 2041, G replaced by A.
Protein change: p.Gly681Arg; replaces glycine 681 with arginine.
Molecular consequence: missense variant. On other transcripts: intron variant (1).
Genome position (GRCh38, 1-based): chr22:40,266,271, G>A. VCF-style: chr22-40266271-G-A. GRCh37 (hg19) VCF-style: chr22-40662275-G-A.
Other names: c.2041G>A, p.Gly681Arg (NM_015088.3); c.566-3851G>A (NM_001024843.2); short protein forms G681R.
Identifiers: ClinVar variation 4532471 (VCV004532471.1).
Genomic context (GRCh38, chr22:40,266,271, plus strand): 5'-AAGAACTCAGGGGGCTGGGGAGATGCACCCAGCCAAAGCAATCAAATGAAGTCTGGATGG[G>A]GGGAGCTCTCAGCCTCTACAGAGTGGAAAGACCCCAAGAACACAGGAGGCTGGAATGACT-3'
Protein context (NP_001155973.1, residues 671-691): SQSNQMKSGW[Gly681Arg]ELSASTEWKD

ClinVar aggregate classification (germline): Uncertain significance (1 of 4 stars; one submission).

gnomAD v4.1: 29 of 1,593,314 alleles (0.0018%); highest among the groups gnomAD compares: Non-Finnish European, 0.0025%; no homozygotes.

Submission:

GeneDx
Classification: Uncertain significance. Last evaluated: 2025-05-28. Review status: criteria provided, single submitter. Criteria: GeneDx Variant Classification Process June 2021. Collection method: clinical testing. Allele origin: germline. Affected: yes.
Comment: Not observed at significant frequency in large population cohorts (gnomAD); In silico analysis supports that this missense variant has a deleterious effect on protein structure/function; Has not been previously published as pathogenic or benign to our knowledge